The following is an entry in ClinVar:

ClinVar aggregate classification (germline): Uncertain significance (1 of 4 stars; one submission).

gnomAD v4.1: 36 of 1,613,124 alleles (0.0022%); highest among the groups gnomAD compares: Admixed American, 0.01%; no homozygotes.

Submission:

Labcorp Genetics (formerly Invitae), Labcorp
Classification: Uncertain significance. Last evaluated: 2025-09-13. Review status: criteria provided, single submitter. Criteria: Invitae Variant Classification Sherloc (09022015). Collection method: clinical testing. Allele origin: germline.
Comment: This sequence change replaces methionine, which is neutral and non-polar, with valine, which is neutral and non-polar, at codon 226 of the POLR3F protein (p.Met226Val). This variant is present in population databases (rs778255716, gnomAD 0.02%). This variant has not been reported in the literature in individuals affected with POLR3F-related conditions. Experimental studies and prediction algorithms are not available or were not evaluated, and the functional significance of this variant is currently unknown. In summary, the available evidence is currently insufficient to determine the role of this variant in disease. Therefore, it has been classified as a Variant of Uncertain Significance.

NM_006466.4(POLR3F):c.799A>G (p.Met267Val)

Gene: POLR3F (RNA polymerase III subunit F; plus strand). Cytogenetic location: 20p11.23.
Variant type: single nucleotide variant.
Coding change: c.799A>G on transcript NM_006466.4 (MANE Select); coding-DNA position 799, A replaced by G.
Protein change: p.Met267Val; replaces methionine 267 with valine.
Molecular consequence: missense variant. On other transcripts: non-coding transcript variant (1).
Genome position (GRCh38, 1-based): chr20:18,481,736, A>G. VCF-style: chr20-18481736-A-G. GRCh37 (hg19) VCF-style: chr20-18462380-A-G.
Other names: c.676A>G, p.Met226Val (NM_001282526.2); c.655A>G, p.Met219Val (NM_001410821.1); short protein forms M226V, M219V, M267V.
Identifiers: ClinVar variation 4762188 (VCV004762188.1).